The following is an entry in ClinVar:

ClinVar aggregate classification (germline): Uncertain significance (1 of 4 stars; one submission).

Conditions:
Neutrophil immunodeficiency syndrome. Also called: Immunodeficiency 73A with defective neutrophil chemotaxis and leukocytosis. Identifiers: Orphanet 183707, MedGen C1842398, MONDO:0011988, OMIM 608203.

Submission:

Labcorp Genetics (formerly Invitae), Labcorp
Classification: Uncertain significance for Neutrophil immunodeficiency syndrome. Last evaluated: 2024-11-11. Review status: criteria provided, single submitter. Criteria: Invitae Variant Classification Sherloc (09022015). Collection method: clinical testing. Allele origin: germline.
Comment: This sequence change replaces alanine, which is neutral and non-polar, with serine, which is neutral and polar, at codon 59 of the RAC2 protein (p.Ala59Ser). This variant is not present in population databases (gnomAD no frequency). This variant has not been reported in the literature in individuals affected with RAC2-related conditions. ClinVar contains an entry for this variant (Variation ID: 1447690). Invitae Evidence Modeling of protein sequence and biophysical properties (such as structural, functional, and spatial information, amino acid conservation, physicochemical variation, residue mobility, and thermodynamic stability) indicates that this missense variant is expected to disrupt RAC2 protein function with a positive predictive value of 95%. In summary, the available evidence is currently insufficient to determine the role of this variant in disease. Therefore, it has been classified as a Variant of Uncertain Significance.

NM_002872.5(RAC2):c.175G>T (p.Ala59Ser)

Gene: RAC2 (Rac family small GTPase 2; minus strand). Cytogenetic location: 22q13.1.
Variant type: single nucleotide variant.
Coding change: c.175G>T on transcript NM_002872.5 (MANE Select); coding-DNA position 175, G replaced by T.
Protein change: p.Ala59Ser; replaces alanine 59 with serine.
Molecular consequence: missense variant.
Genome position (GRCh38, 1-based): chr22:37,232,851, C>A on the plus strand (G>T on the coding strand, the complement: RAC2 is on the minus strand). VCF-style: chr22-37232851-C-A. GRCh37 (hg19) VCF-style: chr22-37628891-C-A.
Other names: short protein forms A59S.
Identifiers: ClinVar variation 1447690 (VCV001447690.8), dbSNP rs2145824957, ClinGen allele CA411443416.
Genomic context (GRCh38, chr22:37,232,851, plus strand): 5'-AGCAGCACACCGTCTGTGGATAGGAGAGCGGCCGGAGACGGTCGTAGTCCTCCTGCCCAG[C>A]AGTGTCCCACAGCCCCAGGTTCACTGGCTTGCTGTCCACCATCACATTGGCTGAATAGTT-3'
Protein context (NP_002863.1, residues 49-69): KPVNLGLWDT[Ala59Ser]GQEDYDRLRP